The following is an entry in ClinVar:

NM_013322.3(SNX10):c.458A>G (p.Asn153Ser)

Gene: SNX10 (sorting nexin 10; plus strand). Cytogenetic location: 7p15.2.
Variant type: single nucleotide variant.
Coding change: c.458A>G on transcript NM_013322.3 (MANE Select); coding-DNA position 458, A replaced by G.
Protein change: p.Asn153Ser; replaces asparagine 153 with serine.
Molecular consequence: missense variant.
Genome position (GRCh38, 1-based): chr7:26,371,967, A>G. VCF-style: chr7-26371967-A-G. GRCh37 (hg19) VCF-style: chr7-26411587-A-G.
Other names: c.458A>G, p.Asn153Ser (NM_001199835.1, NM_001318199.3); c.449A>G, p.Asn150Ser (NM_001199837.3); c.206A>G, p.Asn69Ser (NM_001199838.2); c.536A>G, p.Asn179Ser (NM_001318198.1, NM_001362753.1, NM_001362754.1); short protein forms N153S, N69S, N150S, N179S.
Identifiers: ClinVar variation 2123871 (VCV002123871.1), dbSNP rs2536170675, ClinGen allele CA367228820.

ClinVar aggregate classification (germline): Uncertain significance (1 of 4 stars; one submission).

Allele frequency attached by ClinVar (database versions not stated): gnomAD exomes below 0.00001.
gnomAD v4.1: 2 of 1,613,578 alleles (0.00012%); highest among the groups gnomAD compares: Non-Finnish European, 0.000085%; no homozygotes.

Submission:

Labcorp Genetics (formerly Invitae), Labcorp
Classification: Uncertain significance. Last evaluated: 2022-04-09. Review status: criteria provided, single submitter. Criteria: Invitae Variant Classification Sherloc (09022015). Collection method: clinical testing. Allele origin: germline.
Comment: This sequence change replaces asparagine, which is neutral and polar, with serine, which is neutral and polar, at codon 153 of the SNX10 protein (p.Asn153Ser). This variant is not present in population databases (gnomAD no frequency). This variant has not been reported in the literature in individuals affected with SNX10-related conditions. Algorithms developed to predict the effect of missense changes on protein structure and function are either unavailable or do not agree on the potential impact of this missense change (SIFT: "Deleterious"; PolyPhen-2: "Benign"; Align-GVGD: "Class C0"). In summary, the available evidence is currently insufficient to determine the role of this variant in disease. Therefore, it has been classified as a Variant of Uncertain Significance.